The following is an entry in ClinVar:

NM_201384.3(PLEC):c.9279G>A (p.Glu3093=)

Gene: PLEC (plectin; minus strand). Cytogenetic location: 8q24.3.
Variant type: single nucleotide variant.
Coding change: c.9279G>A on transcript NM_201384.3 (MANE Select); coding-DNA position 9279, G replaced by A.
Protein change: p.Glu3093=; no amino-acid change (glutamic acid 3093 retained).
Molecular consequence: synonymous variant.
Genome position (GRCh38, 1-based): chr8:143,920,542, C>T on the plus strand (G>A on the coding strand, the complement: PLEC is on the minus strand). VCF-style: chr8-143920542-C-T. GRCh37 (hg19) VCF-style: chr8-144994710-C-T.
Other names: c.9360G>A, p.Glu3120= (NM_000445.5); c.9237G>A, p.Glu3079= (NM_201378.4); c.9213G>A, p.Glu3071= (NM_201379.3); c.9690G>A, p.Glu3230= (NM_201380.4); c.9183G>A, p.Glu3061= (NM_201381.3); c.9279G>A, p.Glu3093= (NM_201382.4); c.9291G>A, p.Glu3097= (NM_201383.3).
Identifiers: ClinVar variation 1605028 (VCV001605028.32), dbSNP rs1822247314, ClinGen allele CA463531323.
Genomic context (GRCh38, chr8:143,920,542, plus strand): 5'-GCTCTGCCCTGTGTAGGGGTCCCTGTACCCTGTCACAGCCTTCTCGGCTGATAGCAGCTT[C>T]TCATGAAACTCGGGGCCCACCAGGCCAGCACGCACTGCCTCGTCCACGGTCAGCCGGGCG-3'
Protein context (NP_958786.1, residues 3083-3103): RAGLVGPEFH[Glu3093=]KLLSAEKAVT

ClinVar aggregate classification (germline): Likely benign. Review status: criteria provided, multiple submitters, no conflicts (2 of 4 stars). 2 submissions from 2 submitters: Likely benign (2). Last evaluated 2022-07-01.

Conditions:
Epidermolysis bullosa simplex, Ogna type (EBS5A). Also called: Pidermolysis bullosa simplex 5A, Ogna type; EPIDERMOLYSIS BULLOSA SIMPLEX 5A, OGNA TYPE. Identifiers: Orphanet 79401, MedGen C0432317, MONDO:0007555, OMIM 131950.
Epidermolysis bullosa simplex 5C, with pyloric atresia (EBS5C). Also called: PLEC-Related Epidermolysis Bullosa with Pyloric Atresia; Epidermolysis bullosa simplex with pyloric atresia; PLEC1-Related Epidermolysis Bullosa with Pyloric Atresia. Identifiers: Orphanet 158684, MedGen C2677349, MONDO:0012807, OMIM 612138.
Epidermolysis bullosa simplex with nail dystrophy (EBS5D). Identifiers: MedGen C4225309, MONDO:0014661, OMIM 616487.
Epidermolysis bullosa simplex 5B, with muscular dystrophy (EBS5B). Also called: Epidermolysis bullosa simplex with muscular dystrophy; EPIDERMOLYSIS BULLOSA SIMPLEX AND LIMB-GIRDLE MUSCULAR DYSTROPHY. Identifiers: Orphanet 257, MedGen C2931072, MONDO:0009181, OMIM 226670.
Autosomal recessive limb-girdle muscular dystrophy type 2Q (LGMDR17). Also called: MUSCULAR DYSTROPHY, LIMB-GIRDLE, AUTOSOMAL RECESSIVE 17. Identifiers: Orphanet 254361, MedGen C3150989, MONDO:0013390, OMIM 613723.

Allele frequency attached by ClinVar (database versions not stated): gnomAD exomes 0.00001.
gnomAD v4.1: 8 of 1,611,544 alleles (0.0005%); highest among the groups gnomAD compares: South Asian, 0.0011%; no homozygotes.

Submissions (2):

CeGaT Center for Human Genetics Tuebingen
Classification: Likely benign. Last evaluated: 2022-07-01. Review status: criteria provided, single submitter. Criteria: CeGaT Center For Human Genetics Tuebingen Variant Classification Criteria Version 2. Collection method: clinical testing. Allele origin: germline. Affected: yes. Observed: 1 variant allele.
Comment: PLEC: BP4, BP7

Labcorp Genetics (formerly Invitae), Labcorp
Classification: Likely benign for Autosomal recessive limb-girdle muscular dystrophy type 2Q; Epidermolysis bullosa simplex, Ogna type; Epidermolysis bullosa simplex with nail dystrophy; Epidermolysis bullosa simplex 5C, with pyloric atresia; Epidermolysis bullosa simplex 5B, with muscular dystrophy. Last evaluated: 2022-01-14. Review status: criteria provided, single submitter. Criteria: Invitae Variant Classification Sherloc (09022015). Collection method: clinical testing. Allele origin: germline.